The following is an entry in ClinVar:

NM_014297.5(ETHE1):c.427G>A (p.Val143Ile)

Gene: ETHE1 (ETHE1 persulfide dioxygenase; minus strand). Cytogenetic location: 19q13.31.
Variant type: single nucleotide variant.
Coding change: c.427G>A on transcript NM_014297.5 (MANE Select); coding-DNA position 427, G replaced by A.
Protein change: p.Val143Ile; replaces valine 143 with isoleucine.
Molecular consequence: missense variant.
Genome position (GRCh38, 1-based): chr19:43,511,515, C>T on the plus strand (G>A on the coding strand, the complement: ETHE1 is on the minus strand). VCF-style: chr19-43511515-C-T. GRCh37 (hg19) VCF-style: chr19-44015667-C-T.
Other names: NM_014297.5(ETHE1):c.427G>A; p.Val143Ile; c.394G>A, p.Val132Ile (NM_001320867.2); c.58G>A, p.Val20Ile (NM_001320868.2); c.133G>A, p.Val45Ile (NM_001320869.2); short protein forms V143I, V20I, V132I, V45I.
Identifiers: ClinVar variation 468478 (VCV000468478.4), dbSNP rs201846162, ClinGen allele CA9487858.

ClinVar aggregate classification (germline): Uncertain significance. Review status: reviewed by expert panel (3 of 4 stars). 3 submissions from 3 submitters: Uncertain significance (1). 2 of the submissions do not count toward it. Last evaluated 2020-08-18.

Conditions:
Ethylmalonic encephalopathy (EE). Also called: EPEMA syndrome; Encephalopathy, petechiae, and ethylmalonic aciduria; Syndrome of encephalopathy, petechiae, and ethylmalonic aciduria. Identifiers: Orphanet 51188, MedGen C1865349, MONDO:0011229, OMIM 602473. Disease mechanism: loss of function.

Allele frequency attached by ClinVar (database versions not stated): gnomAD 0.00003 and 0.00002; TOPMed 0.00003; gnomAD exomes 0.00005 and 0.00008; ESP Exome Variant Server 0.00008; ExAC 0.00009; 1000 Genomes Project 30x 0.00016; 1000 Genomes Project 0.00020.
gnomAD v4.1: 82 of 1,614,130 alleles (0.0051%); highest among the groups gnomAD compares: East Asian, 0.069%; no homozygotes.

Submissions (3):

ClinGen Mitochondrial Disease Nuclear and Mitochondrial  Variant Curation Expert Panel, ClinGen
Classification: Uncertain significance for Ethylmalonic encephalopathy. Last evaluated: 2020-08-18. Review status: reviewed by expert panel. Criteria: clingen mito disease acmg specifications v1-1. Collection method: curation. Allele origin: germline. Inheritance: Autosomal recessive inheritance.
Comment: This variant was classified as a variant of uncertain significance as there has not been sufficient evidence to support either a benign or a pathogenic classification. Specifically, this variant has not been reported in the literature in affected or unaffected patients, has no published functional data. This variant is present in population databases with an allele frequency of 0.09%, which is higher allele frequency expected for a pathogenic variant in ETHE1 (BS1). However, not enough criteria were met to support a pathogenic or benign classification.

Labcorp Genetics (formerly Invitae), Labcorp
Classification: Uncertain significance for Ethylmalonic encephalopathy. Last evaluated: 2022-08-09. Review status: criteria provided, single submitter. Criteria: Invitae Variant Classification Sherloc (09022015). Collection method: clinical testing. Allele origin: germline. Not counted in ClinVar's aggregate classification.
Comment: This sequence change replaces valine, which is neutral and non-polar, with isoleucine, which is neutral and non-polar, at codon 143 of the ETHE1 protein (p.Val143Ile). This variant is present in population databases (rs201846162, gnomAD 0.06%). This variant has not been reported in the literature in individuals affected with ETHE1-related conditions. ClinVar contains an entry for this variant (Variation ID: 468478). Advanced modeling of protein sequence and biophysical properties (such as structural, functional, and spatial information, amino acid conservation, physicochemical variation, residue mobility, and thermodynamic stability) performed at Invitae indicates that this missense variant is not expected to disrupt ETHE1 protein function. In summary, the available evidence is currently insufficient to determine the role of this variant in disease. Therefore, it has been classified as a Variant of Uncertain Significance.

Natera, Inc.
Classification: Uncertain significance for Ethylmalonic encephalopathy. Last evaluated: 2019-10-28. Review status: no assertion criteria provided. Collection method: clinical testing. Allele origin: germline. Not counted in ClinVar's aggregate classification.